The following is an entry in ClinVar:

ClinVar aggregate classification (germline): Benign/Likely benign. Review status: criteria provided, multiple submitters, no conflicts (2 of 4 stars). 7 submissions from 7 submitters: Benign (1); Likely benign (6). Last evaluated 2025-03-05.

Conditions:
Familial adenomatous polyposis 1 (FAP1). Also called: POLYPOSIS, ADENOMATOUS INTESTINAL; FAMILIAL ADENOMATOUS POLYPOSIS 1, ATTENUATED. Identifiers: MedGen C2713442, MONDO:0021056, OMIM 175100. Disease mechanism: loss of function.
Hereditary cancer-predisposing syndrome. Also called: Hereditary Cancer Syndrome; Neoplastic Syndromes, Hereditary; Tumor predisposition; Hereditary neoplastic syndrome. Identifiers: Orphanet 140162, MedGen C0027672, MeSH D009386, MONDO:0015356.
Classic or attenuated familial adenomatous polyposis. Identifiers: MedGen CN372698, MONDO:0021057.

Allele frequency attached by ClinVar (database versions not stated): gnomAD exomes below 0.00001.
gnomAD v4.1: 1 of 1,614,140 alleles (0.000062%); highest among the groups gnomAD compares: Non-Finnish European, 0.000085%; no homozygotes.

Submissions (7):

Quest Diagnostics Nichols Institute San Juan Capistrano
Classification: Likely benign. Last evaluated: 2025-03-05. Review status: criteria provided, single submitter. Criteria: Quest Diagnostics criteria. Collection method: clinical testing. Allele origin: unknown.

Myriad Genetics, Inc.
Classification: Benign for Familial adenomatous polyposis 1. Last evaluated: 2024-03-15. Review status: criteria provided, single submitter. Criteria: Myriad Autosomal Dominant, Autosomal Recessive and X-Linked Classification Criteria (2023). Collection method: clinical testing. Allele origin: unknown.
Comment: This variant is considered benign. This variant is a silent/synonymous amino acid change and it is not expected to impact splicing.

All of Us Research Program, National Institutes of Health
Classification: Likely benign for Classic or attenuated familial adenomatous polyposis. Last evaluated: 2023-08-23. Review status: criteria provided, single submitter. Criteria: ACMG Guidelines, 2015. Collection method: clinical testing. Allele origin: germline. Inheritance: Autosomal dominant inheritance. Observed: 1 variant allele, 1 heterozygote.
Comment: This study involves interpretation of variants in research participants for the purpose of population health screening. Participant phenotype was not available at the time of variant classification. Additional details can be found in publication PMID: 35346344, PMCID: PMC8962531

Labcorp Genetics (formerly Invitae), Labcorp
Classification: Likely benign for Familial adenomatous polyposis 1. Last evaluated: 2022-04-21. Review status: criteria provided, single submitter. Criteria: Invitae Variant Classification Sherloc (09022015). Collection method: clinical testing. Allele origin: germline.

Women's Health and Genetics/Laboratory Corporation of America, LabCorp
Classification: Likely benign. Last evaluated: 2020-01-31. Review status: criteria provided, single submitter. Criteria: LabCorp Variant Classification Summary - May 2015. Collection method: clinical testing. Allele origin: germline.

Ambry Genetics
Classification: Likely benign for Hereditary cancer-predisposing syndrome. Last evaluated: 2019-05-10. Review status: criteria provided, single submitter. Criteria: Ambry Variant Classification Scheme 2023. Collection method: clinical testing. Allele origin: germline.

Color Diagnostics, LLC DBA Color Health
Classification: Likely benign for Hereditary cancer-predisposing syndrome. Last evaluated: 2016-11-28. Review status: criteria provided, single submitter. Criteria: ACMG Guidelines, 2015. Collection method: clinical testing. Allele origin: germline.

NM_000038.6(APC):c.2655C>T (p.Ala885=)

Gene: APC (APC regulator of Wnt signaling pathway; plus strand). Cytogenetic location: 5q22.2.
Variant type: single nucleotide variant.
Coding change: c.2655C>T on transcript NM_000038.6 (MANE Select); coding-DNA position 2655, C replaced by T.
Protein change: p.Ala885=; no amino-acid change (alanine 885 retained).
Molecular consequence: synonymous variant.
Genome position (GRCh38, 1-based): chr5:112,838,249, C>T. VCF-style: chr5-112838249-C-T. GRCh37 (hg19) VCF-style: chr5-112173946-C-T.
Other names: c.2601C>T, p.Ala867= (NM_001127511.3); c.2655C>T, p.Ala885= (NM_001354895.2, NM_001127510.3); c.2709C>T, p.Ala903= (NM_001354896.2); c.2685C>T, p.Ala895= (NM_001354897.2); c.2580C>T, p.Ala860= (NM_001354898.2); c.2571C>T, p.Ala857= (NM_001354899.2); c.2532C>T, p.Ala844= (NM_001354900.2); c.2478C>T, p.Ala826= (NM_001354901.2); and 5 more.
Identifiers: ClinVar variation 490248 (VCV000490248.20), dbSNP rs1554084348, ClinGen allele CA445962988.